The following is an entry in ClinVar:

NM_000059.4(BRCA2):c.316+108A>G

Gene: BRCA2 (BRCA2 DNA repair associated; plus strand). Cytogenetic location: 13q13.1.
Variant type: single nucleotide variant.
Coding change: c.316+108A>G on transcript NM_000059.4 (MANE Select); 108 bases into the intron after coding-DNA position 316, A replaced by G.
Molecular consequence: intron variant.
Genome position (GRCh38, 1-based): chr13:32,319,433, A>G. VCF-style: chr13-32319433-A-G. GRCh37 (hg19) VCF-style: chr13-32893570-A-G.
Other names: IVS 3+108A>G.
Identifiers: ClinVar variation 188421 (VCV000188421.10), dbSNP rs115376548, ClinGen allele CA017342.

ClinVar aggregate classification (germline): Benign. Review status: reviewed by expert panel (3 of 4 stars). 9 submissions from 9 submitters: Benign (1). 8 of the submissions do not count toward it. Last evaluated 2015-01-12.

Conditions:
Hereditary cancer-predisposing syndrome. Also called: Neoplastic Syndromes, Hereditary; Tumor predisposition; Hereditary neoplastic syndrome; Hereditary Cancer Syndrome. Identifiers: Orphanet 140162, MedGen C0027672, MeSH D009386, MONDO:0015356.
Breast-ovarian cancer, familial, susceptibility to, 2 (BROVCA2). Also called: BRCA2 Hereditary Breast and Ovarian Cancer. Identifiers: Orphanet 145, MedGen C2675520, MONDO:0012933, OMIM 612555. Disease mechanism: loss of function.

Allele frequency attached by ClinVar (database versions not stated): gnomAD exomes 0.00066; gnomAD 0.00719 and 0.00769; TOPMed 0.00795; 1000 Genomes Project 0.00899; 1000 Genomes Project 30x 0.00984.
gnomAD v4.1: 1,770 of 1,141,980 alleles (0.15%); highest among the groups gnomAD compares: African/African-American, 2.4%; 22 homozygotes.

Submissions (9):

Evidence-based Network for the Interpretation of Germline Mutant Alleles (ENIGMA)
Classification: Benign for Breast-ovarian cancer, familial 2. Last evaluated: 2015-01-12. Review status: reviewed by expert panel. Criteria: ENIGMA BRCA1/2 Classification Criteria (2015). Collection method: curation. Allele origin: germline.
Comment: Class 1 not pathogenic based on frequency >1% in an outbred sampleset. Frequency 0.03252 (African), derived from 1000 genomes (2012-04-30).

GeneDx
Classification: Likely benign. Last evaluated: 2018-06-18. Review status: criteria provided, single submitter. Criteria: GeneDx Variant Classification (06012015). Collection method: clinical testing. Allele origin: germline. Affected: yes. Not counted in ClinVar's aggregate classification.
Comment: This variant is considered likely benign or benign based on one or more of the following criteria: it is a conservative change, it occurs at a poorly conserved position in the protein, it is predicted to be benign by multiple in silico algorithms, and/or has population frequency not consistent with disease.

Department of Pathology and Laboratory Medicine, Sinai Health System
Classification: Likely benign. Last evaluated: 2017-10-25. Review status: criteria provided, single submitter. Criteria: ACMG Guidelines, 2015. Collection method: clinical testing. Allele origin: germline. Affected: yes. Study: Canadian Open Genetics Repository (COGR). Not counted in ClinVar's aggregate classification.

Genome Diagnostics Laboratory, University Medical Center Utrecht
Classification: Likely benign for Breast-ovarian cancer, familial, susceptibility to, 2. Last evaluated: 2017-07-28. Review status: criteria provided, single submitter. Criteria: ACGS Guidelines, 2013. Collection method: clinical testing. Allele origin: germline. Affected: yes. Study: VKGL Data-share Consensus. Not counted in ClinVar's aggregate classification.

Clinical Genetics DNA and cytogenetics Diagnostics Lab, Erasmus MC, Erasmus Medical Center
Classification: Benign for Breast-ovarian cancer, familial, susceptibility to, 2. Last evaluated: 2015-09-21. Review status: criteria provided, single submitter. Criteria: ACGS Guidelines, 2013. Collection method: clinical testing. Allele origin: germline. Affected: yes. Study: VKGL Data-share Consensus. Not counted in ClinVar's aggregate classification.

Ambry Genetics
Classification: Likely benign for Hereditary cancer-predisposing syndrome. Last evaluated: 2015-07-17. Review status: criteria provided, single submitter. Criteria: Ambry Variant Classification Scheme 2023. Collection method: clinical testing. Allele origin: germline. Not counted in ClinVar's aggregate classification.

Molecular Genetics Laboratory, University of Michigan
Classification: Benign for Breast-ovarian cancer, familial, susceptibility to, 2. Last evaluated: 2014-11-03. Review status: criteria provided, single submitter. Criteria: ACMG Guidelines, 2015. Collection method: clinical testing. Allele origin: germline. Affected: yes. Not counted in ClinVar's aggregate classification.

Breakthrough Genomics
Classification: Benign. Review status: criteria provided, single submitter. Criteria: ACMG Guidelines, 2015. Collection method: not provided. Allele origin: germline. Inheritance: Autosomal recessive inheritance. Affected: yes. Not counted in ClinVar's aggregate classification.

Clinical Genetics Laboratory, Department of Pathology, Netherlands Cancer Institute
Classification: Benign. Review status: no assertion criteria provided. Collection method: clinical testing. Allele origin: germline. Affected: yes. Study: VKGL Data-share Consensus. Not counted in ClinVar's aggregate classification.